The following is an entry in ClinVar:

NM_022787.4(NMNAT1):c.619C>T (p.Arg207Trp)

Gene: NMNAT1 (nicotinamide nucleotide adenylyltransferase 1; plus strand). Cytogenetic location: 1p36.22.
Variant type: single nucleotide variant.
Coding change: c.619C>T on transcript NM_022787.4 (MANE Select); coding-DNA position 619, C replaced by T.
Protein change: p.Arg207Trp; replaces arginine 207 with tryptophan.
Molecular consequence: missense variant.
Genome position (GRCh38, 1-based): chr1:9,982,480, C>T. VCF-style: chr1-9982480-C-T. GRCh37 (hg19) VCF-style: chr1-10042538-C-T.
Other names: NP_073624.2:p.(Arg207Trp); c.619C>T, p.Arg207Trp (NM_001297778.1); short protein forms R207W.
Identifiers: ClinVar variation 37133 (VCV000037133.57), dbSNP rs142968179, ClinGen allele CA260590.
Genomic context (GRCh38, chr1:9,982,480, plus strand): 5'-ACTCGGGCTGGAAATGATGCTCAGAAGTTTATCTATGAATCGGATGTGCTGTGGAAACAC[C>T]GGAGCAACATTCACGTGGTGAATGAATGGATCGCTAATGACATCTCATCCACAAAAATCC-3'
Protein context (NP_073624.2, residues 197-217): IYESDVLWKH[Arg207Trp]SNIHVVNEWI

ClinVar aggregate classification (germline): Pathogenic. Review status: criteria provided, multiple submitters, no conflicts (2 of 4 stars). 11 submissions from 11 submitters: Pathogenic (7). 4 of the submissions do not count toward it. Last evaluated 2025-12-14.

Conditions:
Spondyloepiphyseal dysplasia, sensorineural hearing loss, impaired intellectual development, and leber congenital amaurosis. Also called: SHILCA SYNDROME. Identifiers: Orphanet 611207, MedGen C5543257, MONDO:0031007, OMIM 619260.
NMNAT1-related disorder. Also called: NMNAT1-related condition.
Retinal dystrophy. Also called: Inherited retinal dystrophy. Identifiers: Orphanet 71862, MedGen C0854723, MeSH D058499, MONDO:0019118, HP:0000556.
Leber congenital amaurosis 9 (LCA9). Also called: LCA9 Leber Congenital Amaurosis; LCA 9; Amaurosis congenita of Leber, type 9. Identifiers: Orphanet 65, MedGen C1837873, MONDO:0012056, OMIM 608553.

Allele frequency attached by ClinVar (database versions not stated): ExAC 0.00002; gnomAD exomes 0.00002 and 0.00004; TOPMed 0.00003; gnomAD 0.00004; ESP Exome Variant Server 0.00015.
gnomAD v4.1: 39 of 1,613,964 alleles (0.0024%); highest among the groups gnomAD compares: Non-Finnish European, 0.0031%; no homozygotes.

Submissions (11):

Labcorp Genetics (formerly Invitae), Labcorp
Classification: Pathogenic for Leber congenital amaurosis 9. Last evaluated: 2025-12-14. Review status: criteria provided, single submitter. Criteria: Invitae Variant Classification Sherloc (09022015). Collection method: clinical testing. Allele origin: germline.
Comment: This sequence change replaces arginine, which is basic and polar, with tryptophan, which is neutral and slightly polar, at codon 207 of the NMNAT1 protein (p.Arg207Trp). This variant is present in population databases (rs142968179, gnomAD 0.007%). This missense change has been observed in individual(s) with Leber congenital amaurosis (PMID: 22842229, 22842230, 24940029). In at least one individual the data is consistent with being in trans (on the opposite chromosome) from a pathogenic variant. It has also been observed to segregate with disease in related individuals. ClinVar contains an entry for this variant (Variation ID: 37133). Invitae Evidence Modeling of protein sequence and biophysical properties (such as structural, functional, and spatial information, amino acid conservation, physicochemical variation, residue mobility, and thermodynamic stability) has been performed for this missense variant. However, the output from this modeling did not meet the statistical confidence thresholds required to predict the impact of this variant on NMNAT1 protein function. Experimental studies have shown that this missense change affects NMNAT1 function (PMID: 22842230). For these reasons, this variant has been classified as Pathogenic.

3billion
Classification: Pathogenic for Spondyloepiphyseal dysplasia, sensorineural hearing loss, impaired intellectual development, and leber congenital amaurosis. Last evaluated: 2025-05-09. Review status: criteria provided, single submitter. Criteria: ACMG Guidelines, 2015. Collection method: clinical testing. Allele origin: germline. Affected: yes.
Comment: The variant is observed at an extremely low frequency in the gnomAD v4.1.0 dataset (total allele frequency: 0.002%). Predicted Consequence/Location: Missense variant Functional studies provide strong evidence of the variant having a damaging effect on the gene or gene product (PMID: 22842230). In silico tool predictions suggest damaging effect of the variant on gene or gene product [REVEL: 0.71 (>=0.6, sensitivity 0.68 and specificity 0.92); 3Cnet: 0.77 (> 0.75, sensitivity 0.96 and precision 0.92)]. The same nucleotide change resulting in the same amino acid change has been previously reported as pathogenic/likely pathogenic with strong evidence (ClinVar ID: VCV000037133 /PMID: 22842229). Therefore, this variant is classified as Pathogenic according to the recommendation of ACMG/AMP guideline.

GeneDx
Classification: Pathogenic. Last evaluated: 2025-02-11. Review status: criteria provided, single submitter. Criteria: GeneDx Variant Classification Process June 2021. Collection method: clinical testing. Allele origin: germline.
Comment: Published functional studies demonstrate a damaging effect on enzyme activity (PMID: 22842230); In silico analysis supports that this missense variant has a deleterious effect on protein structure/function; This variant is associated with the following publications: (PMID: 26103963, 28559085, 31589614, 34426522, 22842229, 22842230, 26018082, 31964843, 34837036, 32507954, 35754085, 24940029)

Blueprint Genetics
Classification: Pathogenic for NMNAT1-related disorders. Last evaluated: 2024-08-05. Review status: criteria provided, single submitter. Criteria: ACMG Guidelines, 2015. Collection method: clinical testing. Allele origin: germline. Affected: yes. Observed: 5 variant alleles.

Ophthalmic Genetics Group, Institute of Molecular and Clinical Ophthalmology Basel
Classification: Pathogenic for Retinal dystrophy. Last evaluated: 2024-05-27. Review status: criteria provided, single submitter. Criteria: ACMG Guidelines, 2015. Collection method: research. Allele origin: germline. Affected: yes. Observed: 2 variant alleles.
Comment: This variant was classified as Pathogenic based on ACMG criteria: PS3_sup, PM1_mod, PM2_mod, PP2_sup and PP3_sup

Institute of Human Genetics, Univ. Regensburg, Univ. Regensburg
Classification: Pathogenic for Retinal dystrophy. Last evaluated: 2020-01-01. Review status: criteria provided, single submitter. Criteria: ACMG Guidelines, 2015. Collection method: clinical testing. Allele origin: germline. Affected: yes.

CeGaT Center for Human Genetics Tuebingen
Classification: Pathogenic. Last evaluated: 2019-12-01. Review status: criteria provided, single submitter. Criteria: CeGaT Center For Human Genetics Tuebingen Variant Classification Criteria Version 2. Collection method: clinical testing. Allele origin: germline. Affected: yes. Observed: 1 variant allele.

OMIM
Classification: Pathogenic for LEBER CONGENITAL AMAUROSIS 9. Last evaluated: 2012-09-01. Review status: no assertion criteria provided. Collection method: literature only. Allele origin: germline. Not counted in ClinVar's aggregate classification.

Clinical Genetics, Academic Medical Center
Classification: Likely pathogenic. Review status: no assertion criteria provided. Collection method: clinical testing. Allele origin: germline. Affected: yes. Study: VKGL Data-share Consensus. Not counted in ClinVar's aggregate classification.

Joint Genome Diagnostic Labs from Nijmegen and Maastricht, Radboudumc and MUMC+
Classification: Likely pathogenic. Review status: no assertion criteria provided. Collection method: clinical testing. Allele origin: germline. Affected: yes. Study: VKGL Data-share Consensus. Not counted in ClinVar's aggregate classification.

Laboratory of Genetics in Ophthalmology, Institut Imagine
Classification: Pathogenic for Leber congenital amaurosis 9. Review status: no assertion criteria provided. Collection method: research. Allele origin: inherited. Affected: yes. Observed: 8 variant alleles. Not counted in ClinVar's aggregate classification.

Literature cited by the submitters: PubMed 22842229 (cited by 5 submitters); PubMed 22842230 (cited by 5 submitters); PubMed 24940029 (cited by Labcorp Genetics (formerly Invitae), Labcorp and Institute of Human Genetics, Univ. Regensburg, Univ. Regensburg); PubMed 40180963 (cited by Ophthalmic Genetics Group, Institute of Molecular and Clinical Ophthalmology Basel); PubMed 26018082 (cited by Institute of Human Genetics, Univ. Regensburg, Univ. Regensburg); PubMed 28559085 (cited by Institute of Human Genetics, Univ. Regensburg, Univ. Regensburg); PubMed 31589614 (cited by Institute of Human Genetics, Univ. Regensburg, Univ. Regensburg); PubMed 31964843 (cited by Institute of Human Genetics, Univ. Regensburg, Univ. Regensburg); PubMed 32507954 (cited by Institute of Human Genetics, Univ. Regensburg, Univ. Regensburg); PubMed 34426522 (cited by Institute of Human Genetics, Univ. Regensburg, Univ. Regensburg); PubMed 34837036 (cited by Institute of Human Genetics, Univ. Regensburg, Univ. Regensburg); PubMed 35754085 (cited by Institute of Human Genetics, Univ. Regensburg, Univ. Regensburg).